The following is an entry in ClinVar:

ClinVar aggregate classification (germline): Uncertain significance. Review status: criteria provided, single submitter (1 of 4 stars). 2 submissions from 2 submitters: Uncertain significance (1). 1 of the submissions does not count toward it. Last evaluated 2025-11-19.

Conditions:
Zellweger spectrum disorders (ZS). Also called: Zellweger Spectrum Disorder; Zellweger Spectrum; Zellweger Spectrum Disorder (ZSD); Zellweger syndrome. Identifiers: Orphanet 912, MedGen C0043459, MONDO:0019609.
Peroxisome biogenesis disorder, complementation group 7 (CG7). Also called: Peroxisome biogenesis disorder, complementation group B. Identifiers: MedGen C1864399.

Allele frequency attached by ClinVar (database versions not stated): gnomAD exomes below 0.00001.

Submissions (2):

Labcorp Genetics (formerly Invitae), Labcorp
Classification: Uncertain significance for Peroxisome biogenesis disorder, complementation group 7. Last evaluated: 2025-11-19. Review status: criteria provided, single submitter. Criteria: Invitae Variant Classification Sherloc (09022015). Collection method: clinical testing. Allele origin: germline.
Comment: This sequence change replaces proline, which is neutral and non-polar, with serine, which is neutral and polar, at codon 336 of the PEX10 protein (p.Pro336Ser). This variant is not present in population databases (gnomAD no frequency). This variant has not been reported in the literature in individuals affected with PEX10-related conditions. ClinVar contains an entry for this variant (Variation ID: 1059766). An algorithm developed to predict the effect of missense changes on protein structure and function (PolyPhen-2) suggests that this variant is likely to be disruptive. In summary, the available evidence is currently insufficient to determine the role of this variant in disease. Therefore, it has been classified as a Variant of Uncertain Significance.

Natera, Inc.
Classification: Uncertain significance for Zellweger syndrome. Last evaluated: 2020-04-22. Review status: no assertion criteria provided. Collection method: clinical testing. Allele origin: germline. Not counted in ClinVar's aggregate classification.

NM_002617.4(PEX10):c.946C>T (p.Pro316Ser)

Gene: PEX10 (peroxisomal biogenesis factor 10; minus strand). Cytogenetic location: 1p36.32.
Variant type: single nucleotide variant.
Coding change: c.946C>T on transcript NM_002617.4 (MANE Select); coding-DNA position 946, C replaced by T.
Protein change: p.Pro316Ser; replaces proline 316 with serine.
Molecular consequence: missense variant. On other transcripts: non-coding transcript variant (1).
Genome position (GRCh38, 1-based): chr1:2,405,801, G>A on the plus strand (C>T on the coding strand, the complement: PEX10 is on the minus strand). VCF-style: chr1-2405801-G-A. GRCh37 (hg19) VCF-style: chr1-2337240-G-A.
Other names: c.1003C>T, p.Pro335Ser (NM_001374425.1); c.571C>T, p.Pro191Ser (NM_001374426.1); c.514C>T, p.Pro172Ser (NM_001374427.1); c.1006C>T, p.Pro336Ser (NM_153818.2); short protein forms P172S, P191S, P316S, P335S, P336S.
Identifiers: ClinVar variation 1059766 (VCV001059766.3), dbSNP rs1642979023, ClinGen allele CA337982926.